The following is an entry in ClinVar:

ClinVar aggregate classification (germline): Uncertain significance (1 of 4 stars; one submission).

Submission:

Labcorp Genetics (formerly Invitae), Labcorp
Classification: Uncertain significance. Last evaluated: 2025-05-18. Review status: criteria provided, single submitter. Criteria: Invitae Variant Classification Sherloc (09022015). Collection method: clinical testing. Allele origin: germline.
Comment: This variant, c.757_759del, results in the deletion of 1 amino acid(s) of the PSMA3 protein (p.Asp253del), but otherwise preserves the integrity of the reading frame. This variant is not present in population databases (gnomAD no frequency). This variant has not been reported in the literature in individuals affected with PSMA3-related conditions. Experimental studies and prediction algorithms are not available or were not evaluated, and the functional significance of this variant is currently unknown. In summary, the available evidence is currently insufficient to determine the role of this variant in disease. Therefore, it has been classified as a Variant of Uncertain Significance.

NM_002788.4(PSMA3):c.751GAT[2] (p.Asp253del)

Genes: PSMA3 (proteasome 20S subunit alpha 3; plus strand), PSMA3-AS1 (PSMA3 antisense RNA 1; minus strand). Cytogenetic location: 14q23.1.
Variant type: Microsatellite.
Coding change: c.751GAT[2] on transcript NM_002788.4 (MANE Select); two copies in a row of the 3-base unit GAT starting at c.751; the reference has three copies in a row; one copy, 3 bases deleted.
Protein change: p.Asp253del; deletes aspartic acid 253.
Molecular consequence: inframe deletion. On other transcripts: non-coding transcript variant (1).
Genome position (GRCh38, 1-based): chr14:58,271,884-58,271,886, GAT deleted; deleting any 3 consecutive bases within chr14:58,271,878-58,271,886 gives the same sequence; the position shown is the placement nearest the transcript's 3' end. VCF-style (leftmost placement, unchanged base first): chr14-58271877-AGAT-A. GRCh37 (hg19) VCF-style: chr14-58738595-AGAT-A.
Other names: c.730GAT[2], p.Asp246del (NM_152132.3); short protein forms D253del, D246del.
Identifiers: ClinVar variation 2726162 (VCV002726162.3), dbSNP rs1890636729, ClinGen allele CA963625588.